The following is an entry in ClinVar:

ClinVar aggregate classification (germline): Conflicting classifications of pathogenicity. Review status: criteria provided, conflicting classifications (1 of 4 stars). 2 submissions from 2 submitters: Pathogenic (1); Uncertain significance (1). Last evaluated 2026-01-11.

Conditions:
GHR-related disorder. Also called: GHR-related condition.

Allele frequency attached by ClinVar (database versions not stated): ExAC 0.00001; gnomAD 0.00002; TOPMed 0.00003.
gnomAD v4.1: 16 of 1,613,974 alleles (0.00099%); highest among the groups gnomAD compares: African/African-American, 0.0013%; no homozygotes.

Submissions (2):

Labcorp Genetics (formerly Invitae), Labcorp
Classification: Pathogenic. Last evaluated: 2026-01-11. Review status: criteria provided, single submitter. Criteria: Invitae Variant Classification Sherloc (09022015). Collection method: clinical testing. Allele origin: germline.
Comment: This sequence change creates a premature translational stop signal (p.Glu563*) in the GHR gene. While this is not anticipated to result in nonsense mediated decay, it is expected to disrupt the last 76 amino acid(s) of the GHR protein. This variant is present in population databases (rs779319281, gnomAD 0.0009%). This variant has not been reported in the literature in individuals affected with GHR-related conditions. ClinVar contains an entry for this variant (Variation ID: 3012514). This variant disrupts a region of the GHR protein in which other variant(s) (p.Arg578Serfs*23) have been determined to be pathogenic (PMID: 15536163). This suggests that this is a clinically significant region of the protein, and that variants that disrupt it are likely to be disease-causing. For these reasons, this variant has been classified as Pathogenic.

PreventionGenetics, part of Exact Sciences
Classification: Uncertain significance for GHR-related condition. Last evaluated: 2025-02-28. Review status: criteria provided, single submitter. Criteria: ACMG Guidelines, 2015. Collection method: clinical testing. Allele origin: germline.
Comment: The GHR c.1687G>T variant is predicted to result in premature protein termination (p.Glu563*). To our knowledge, this variant has not been reported in the literature. Of note, this nonsense variant occurs in the last exon of GHR and may escape nonsense mediated decay (Lindeboom et al. 2016. PubMed ID:27618451). It is difficult to predict the biological impact of this variant and limited other loss-of-function variants in this region are reported in patients. This variant is reported in 0.00088% of alleles in individuals of European (non-Finnish) descent in gnomAD. Although we suspect that this variant may be pathogenic, at this time, the clinical significance of this variant is uncertain due to the absence of conclusive functional and genetic evidence.

Literature cited by the submitters: PubMed 15536163 (cited by Labcorp Genetics (formerly Invitae), Labcorp).

NM_000163.5(GHR):c.1687G>T (p.Glu563Ter)

Gene: GHR (growth hormone receptor; plus strand). Cytogenetic location: 5p12.
Variant type: single nucleotide variant.
Coding change: c.1687G>T on transcript NM_000163.5 (MANE Select); coding-DNA position 1687, G replaced by T.
Protein change: p.Glu563Ter; replaces glutamic acid 563 with a stop codon.
Molecular consequence: nonsense. On other transcripts: 3 prime UTR variant (1).
Genome position (GRCh38, 1-based): chr5:42,719,194, G>T. VCF-style: chr5-42719194-G-T. GRCh37 (hg19) VCF-style: chr5-42719296-G-T.
Other names: c.1708G>T, p.Glu570Ter (NM_001242399.2); c.1687G>T, p.Glu563Ter (NM_001242400.2, NM_001242401.4, NM_001242402.2 and 4 more transcripts); c.1621G>T, p.Glu541Ter (NM_001242460.2); c.*729G>T (NM_001242462.1); c.1687G>T (NM_000163.4); short protein forms E563*, E570*, E541*.
Identifiers: ClinVar variation 3012514 (VCV003012514.4), dbSNP rs779319281, ClinGen allele CA3254694.